The following is an entry in ClinVar:

NM_015915.5(ATL1):c.688G>A (p.Asp230Asn)

Gene: ATL1 (atlastin GTPase 1; plus strand). Cytogenetic location: 14q22.1.
Variant type: single nucleotide variant.
Coding change: c.688G>A on transcript NM_015915.5 (MANE Select); coding-DNA position 688, G replaced by A.
Protein change: p.Asp230Asn; replaces aspartic acid 230 with asparagine.
Molecular consequence: missense variant.
Genome position (GRCh38, 1-based): chr14:50,613,316, G>A. VCF-style: chr14-50613316-G-A. GRCh37 (hg19) VCF-style: chr14-51080034-G-A.
Other names: c.688G>A, p.Asp230Asn (NM_001127713.1, NM_181598.4); short protein forms D230N.
Identifiers: ClinVar variation 444328 (VCV000444328.53), dbSNP rs768367744, ClinGen allele CA7180317.

ClinVar aggregate classification (germline): Uncertain significance. Review status: criteria provided, multiple submitters, no conflicts (2 of 4 stars). 4 submissions from 4 submitters: Uncertain significance (4). Last evaluated 2025-12-10.

Conditions:
Hereditary spastic paraplegia 3A (SPG3A). Also called: Spastic paraplegia 3A, autosomal dominant; SPASTIC PARAPLEGIA 3, AUTOSOMAL DOMINANT; FAMILIAL SPASTIC PARAPLEGIA, AUTOSOMAL DOMINANT, 1; SPG3; STRUMPELL DISEASE; Spastic Paraplegia 3A. Identifiers: Orphanet 100984, MedGen C2931355, MONDO:0008437, OMIM 182600.
Inborn genetic diseases. Identifiers: MedGen C0950123, MeSH D030342.
Neuropathy, hereditary sensory, type 1D. Identifiers: Orphanet 36386, MedGen C3150972, MONDO:0013381, OMIM 613708.

Allele frequency attached by ClinVar (database versions not stated): gnomAD exomes 0.00001; ExAC 0.00002; gnomAD 0.00002; TOPMed 0.00002.
gnomAD v4.1: 22 of 1,613,092 alleles (0.0014%); highest among the groups gnomAD compares: African/African-American, 0.0027%; no homozygotes.

Submissions (4):

Ambry Genetics
Classification: Uncertain significance for Inborn genetic diseases. Last evaluated: 2025-12-10. Review status: criteria provided, single submitter. Criteria: Ambry Variant Classification Scheme 2023. Collection method: clinical testing. Allele origin: germline.

Labcorp Genetics (formerly Invitae), Labcorp
Classification: Uncertain significance for Hereditary spastic paraplegia 3A. Last evaluated: 2023-12-27. Review status: criteria provided, single submitter. Criteria: Invitae Variant Classification Sherloc (09022015). Collection method: clinical testing. Allele origin: germline.
Comment: This sequence change replaces aspartic acid, which is acidic and polar, with asparagine, which is neutral and polar, at codon 230 of the ATL1 protein (p.Asp230Asn). This variant is present in population databases (rs768367744, gnomAD 0.006%). This variant has not been reported in the literature in individuals affected with ATL1-related conditions. ClinVar contains an entry for this variant (Variation ID: 444328). Advanced modeling of protein sequence and biophysical properties (such as structural, functional, and spatial information, amino acid conservation, physicochemical variation, residue mobility, and thermodynamic stability) performed at Invitae indicates that this missense variant is not expected to disrupt ATL1 protein function with a negative predictive value of 80%. In summary, the available evidence is currently insufficient to determine the role of this variant in disease. Therefore, it has been classified as a Variant of Uncertain Significance.

Institute of Human Genetics, University of Leipzig Medical Center
Classification: Uncertain significance for Neuropathy, hereditary sensory, type 1D. Last evaluated: 2020-11-26. Review status: criteria provided, single submitter. Criteria: ACMG Guidelines, 2015. Collection method: clinical testing. Allele origin: unknown. Affected: yes.

CeGaT Center for Human Genetics Tuebingen
Classification: Uncertain significance. Last evaluated: 2020-07-01. Review status: criteria provided, single submitter. Criteria: CeGaT Center For Human Genetics Tuebingen Variant Classification Criteria Version 2. Collection method: clinical testing. Allele origin: germline. Affected: yes. Observed: 2 variant alleles.